The following is an entry in ClinVar:

NM_000286.3(PEX12):c.644del (p.Pro215fs)

Gene: PEX12 (peroxisomal biogenesis factor 12; minus strand). Cytogenetic location: 17q12.
Variant type: Deletion.
Coding change: c.644del on transcript NM_000286.3 (MANE Select); coding-DNA position 644, one base deleted (C; older notation c.644delC).
Protein change: p.Pro215fs; shifts the reading frame from proline 215.
Molecular consequence: frameshift variant.
Genome position (GRCh38, 1-based): chr17:35,577,074, G deleted on the plus strand (C on the coding strand, the reverse complement: PEX12 is on the minus strand); the first of 2 consecutive G bases (chr17:35,577,074-35,577,075); deleting either gives the same sequence. VCF-style (leftmost placement, unchanged base first): chr17-35577073-TG-T. GRCh37 (hg19) VCF-style: chr17-33904092-TG-T.
Other names: short protein forms P215fs.
Identifiers: ClinVar variation 556886 (VCV000556886.5), dbSNP rs1199283977, ClinGen allele CA625820418.

ClinVar aggregate classification (germline): Pathogenic. Review status: criteria provided, single submitter (1 of 4 stars). 2 submissions from 2 submitters: Pathogenic (1). 1 of the submissions does not count toward it. Last evaluated 2023-05-08.

Conditions:
Peroxisome biogenesis disorder 3A (Zellweger). Also called: PEROXISOMAL BIOGENESIS DISORDER 3A (ZELLWEGER); Peroxisome biogenesis disorder 3A. Identifiers: Orphanet 912, MedGen C3553929, MONDO:0013927, OMIM 614859.
Peroxisome biogenesis disorder type 3B. Identifiers: Orphanet 44, Orphanet 772, MedGen C3550693, MONDO:0009959, OMIM 266510.

Submissions (2):

Labcorp Genetics (formerly Invitae), Labcorp
Classification: Pathogenic for Peroxisome biogenesis disorder 3A (Zellweger). Last evaluated: 2023-05-08. Review status: criteria provided, single submitter. Criteria: Invitae Variant Classification Sherloc (09022015). Collection method: clinical testing. Allele origin: germline.
Comment: ClinVar contains an entry for this variant (Variation ID: 556886). This sequence change creates a premature translational stop signal (p.Pro215Glnfs*6) in the PEX12 gene. While this is not anticipated to result in nonsense mediated decay, it is expected to disrupt the last 145 amino acid(s) of the PEX12 protein. This variant is present in population databases (no rsID available, gnomAD 0.1%). This variant has not been reported in the literature in individuals affected with PEX12-related conditions. This variant disrupts a region of the PEX12 protein in which other variant(s) (p.Gln349del) have been determined to be pathogenic (PMID: 15542397, 21031596; Invitae). This suggests that this is a clinically significant region of the protein, and that variants that disrupt it are likely to be disease-causing. For these reasons, this variant has been classified as Pathogenic.

Counsyl
Classification: Likely pathogenic for Peroxisome biogenesis disorder type 3B; Peroxisome biogenesis disorder 3A (Zellweger). Last evaluated: 2018-02-26. Review status: no assertion criteria provided. Collection method: clinical testing. Allele origin: unknown. Not counted in ClinVar's aggregate classification.

Literature cited by the submitters: PubMed 15542397 (cited by Labcorp Genetics (formerly Invitae), Labcorp); PubMed 21031596 (cited by Labcorp Genetics (formerly Invitae), Labcorp).